The following is an entry in ClinVar:

ClinVar aggregate classification (germline): Pathogenic/Likely pathogenic. Review status: criteria provided, multiple submitters, no conflicts (2 of 4 stars). 5 submissions from 5 submitters: Pathogenic (4); Likely pathogenic (1). Last evaluated 2025-11-05.

Conditions:
Familial hypokalemia-hypomagnesemia (GTLMNS). Also called: HYPOMAGNESEMIA-HYPOKALEMIA, PRIMARY RENOTUBULAR, WITH HYPOCALCIURIA; POTASSIUM AND MAGNESIUM DEPLETION; gitelman syndrome. Identifiers: Orphanet 358, MedGen C0268450, MONDO:0009904, OMIM 263800.
Inborn genetic diseases. Identifiers: MedGen C0950123, MeSH D030342.

Allele frequency attached by ClinVar (database versions not stated): gnomAD exomes below 0.00001; ExAC 0.00001.

Submissions (5):

Nephrology, University of Crete, University General Hospital of Heraklion
Classification: Pathogenic for Familial hypokalemia-hypomagnesemia. Last evaluated: 2025-11-05. Review status: criteria provided, single submitter. Criteria: ACMG Guidelines, 2015. Collection method: clinical testing. Allele origin: unknown. Affected: yes.
Comment: Identified in two patients with pediatric-onset hypokalemic metabolic alkalosis and typical Gitelman phenotype; classified as pathogenic according to ACMG criteria based on loss-of-function mechanism and previous reports.

Labcorp Genetics (formerly Invitae), Labcorp
Classification: Pathogenic. Last evaluated: 2025-02-25. Review status: criteria provided, single submitter. Criteria: Invitae Variant Classification Sherloc (09022015). Collection method: clinical testing. Allele origin: germline.
Comment: This sequence change replaces glycine, which is neutral and non-polar, with aspartic acid, which is acidic and polar, at codon 394 of the SLC12A3 protein (p.Gly394Asp). The frequency data for this variant in the population databases is considered unreliable, as metrics indicate poor data quality at this position in the gnomAD database. This missense change has been observed in individual(s) with Gitelman syndrome (PMID: 29925901, 30138938, 35628451). In at least one individual the data is consistent with being in trans (on the opposite chromosome) from a pathogenic variant. ClinVar contains an entry for this variant (Variation ID: 1012400). An algorithm developed to predict the effect of missense changes on protein structure and function (PolyPhen-2) suggests that this variant is likely to be disruptive. Experimental studies have shown that this missense change affects SLC12A3 function (PMID: 29925901). For these reasons, this variant has been classified as Pathogenic.

Laboratory of Medical Genetics, National & Kapodistrian University of Athens
Classification: Pathogenic for Familial hypokalemia-hypomagnesemia. Last evaluated: 2022-07-26. Review status: criteria provided, single submitter. Criteria: ACMG Guidelines, 2015. Collection method: clinical testing. Allele origin: germline. Affected: yes.
Comment: PS3, PM2, PM5, PP2, PP3, PP5

Ambry Genetics
Classification: Likely pathogenic for Inborn genetic diseases. Last evaluated: 2022-06-10. Review status: criteria provided, single submitter. Criteria: Ambry Variant Classification Scheme 2023. Collection method: clinical testing. Allele origin: germline.
Comment: The c.1181G>A (p.G394D) alteration is located in exon 10 (coding exon 10) of the SLC12A3 gene. This alteration results from a G to A substitution at nucleotide position 1181, causing the glycine (G) at amino acid position 394 to be replaced by an aspartic acid (D). This variant impacts the first base pair of coding exon 10. This allele was reported in one heterozygous individual in population-based cohorts in the Genome Aggregation Database (gnomAD). This variant has been detected in the compound heterozygous state with a second pathogenic SLC12A3 variant in multiple individuals with Gitelman syndrome (Ravarotto, 2018; Huang, 2018). This amino acid position is highly conserved in available vertebrate species. Functional studies show this variant leads to impaired localization with retention and degradation in the endoplasmic reticulum (Ravarotto, 2018). This alteration is predicted to be deleterious by in silico analysis. Based on the available evidence, this alteration is classified as likely pathogenic.

CeGaT Center for Human Genetics Tuebingen
Classification: Pathogenic. Last evaluated: 2020-12-01. Review status: criteria provided, single submitter. Criteria: CeGaT Center For Human Genetics Tuebingen Variant Classification Criteria Version 2. Collection method: clinical testing. Allele origin: germline. Affected: yes. Observed: 1 variant allele.

Literature cited by the submitters: PubMed 29925901 (cited by Labcorp Genetics (formerly Invitae), Labcorp and Ambry Genetics); PubMed 30138938 (cited by Labcorp Genetics (formerly Invitae), Labcorp and Ambry Genetics); PubMed 35628451 (cited by Labcorp Genetics (formerly Invitae), Labcorp).

NM_001126108.2(SLC12A3):c.1181G>A (p.Gly394Asp)

Gene: SLC12A3 (solute carrier family 12 member 3; plus strand). Cytogenetic location: 16q13.
Variant type: single nucleotide variant.
Coding change: c.1181G>A on transcript NM_001126108.2 (MANE Select); coding-DNA position 1181, G replaced by A.
Protein change: p.Gly394Asp; replaces glycine 394 with aspartic acid.
Molecular consequence: missense variant.
Genome position (GRCh38, 1-based): chr16:56,879,073, G>A. VCF-style: chr16-56879073-G-A. GRCh37 (hg19) VCF-style: chr16-56912985-G-A.
Other names: c.1181G>A (NM_000339.2); c.1181G>A, p.Gly394Asp (NM_000339.3); c.1178G>A, p.Gly393Asp (NM_001126107.2); short protein forms G393D, G394D.
Identifiers: ClinVar variation 1012400 (VCV001012400.47), dbSNP rs777815715, ClinGen allele CA8069390.